The following is an entry in ClinVar:

ClinVar aggregate classification (germline): Uncertain significance (1 of 4 stars; one submission).

Submission:

GeneDx
Classification: Uncertain significance. Last evaluated: 2025-07-16. Review status: criteria provided, single submitter. Criteria: GeneDx Variant Classification Process June 2021. Collection method: clinical testing. Allele origin: germline. Affected: yes.
Comment: Not observed at significant frequency in large population cohorts (gnomAD); In silico analysis supports that this missense variant has a deleterious effect on protein structure/function; Has not been previously published as pathogenic or benign to our knowledge

NM_170606.3(KMT2C):c.9632C>T (p.Ala3211Val)

Gene: KMT2C (lysine methyltransferase 2C; minus strand). Cytogenetic location: 7q36.1.
Variant type: single nucleotide variant.
Coding change: c.9632C>T on transcript NM_170606.3 (MANE Select); coding-DNA position 9632, C replaced by T.
Protein change: p.Ala3211Val; replaces alanine 3211 with valine.
Molecular consequence: missense variant.
Genome position (GRCh38, 1-based): chr7:152,167,264, G>A on the plus strand (C>T on the coding strand, the complement: KMT2C is on the minus strand). VCF-style: chr7-152167264-G-A. GRCh37 (hg19) VCF-style: chr7-151864349-G-A.
Other names: short protein forms A3211V.
Identifiers: ClinVar variation 4686830 (VCV004686830.1).
Genomic context (GRCh38, chr7:152,167,264, plus strand): 5'-GCATCTTCCTCTGGAAATTCACGCCCAGCTTTCTTGGCAGTACGTTGTTTAGCTGAAAGG[G>A]CCTTCTTAGATTTTCTGTGAGCACCAATTTGTTCTTCAAGATACTTCTGCTGCATTTGAA-3'
Protein context (NP_733751.2, residues 3201-3221): QIGAHRKSKK[Ala3211Val]LSAKQRTAKK